The following is an entry in ClinVar:

ClinVar aggregate classification (germline): Pathogenic (1 of 4 stars; one submission).

Submission:

Labcorp Genetics (formerly Invitae), Labcorp
Classification: Pathogenic. Last evaluated: 2019-08-12. Review status: criteria provided, single submitter. Criteria: Invitae Variant Classification Sherloc (09022015). Collection method: clinical testing. Allele origin: germline.
Comment: This variant is an out-of-frame deletion of the genomic region encompassing exon 18 of the LPIN1 gene. This is expected to create a premature translational stop signal and result in an absent or disrupted protein product. This variant has been observed in individuals affected with myoglobinuria and rhabdomyolysis (PMID: 20583302, 26402642). This variant has been reported to affect LPIN1 protein function (PMID: 20583302). Loss-of-function variants in LPIN1 are known to be pathogenic (PMID: 18817903, 20583302, 22481384, 26111941). For these reasons, this variant has been classified as Pathogenic.

Literature cited by the submitters: PubMed 20583302; PubMed 26402642.

NC_000002.12:g.(?_11819484)_(11819598_?)del

Gene: LPIN1 (lipin 1; plus strand). Cytogenetic location: 2p25.1.
Variant type: Deletion.
Identifiers: ClinVar variation 832773 (VCV000832773.1).